The following is an entry in ClinVar:

NM_001386298.1(CIC):c.2205C>A (p.Ala735=)

Gene: CIC (capicua transcriptional repressor; plus strand). Cytogenetic location: 19q13.2.
Variant type: single nucleotide variant.
Coding change: c.2205C>A on transcript NM_001386298.1 (MANE Select); coding-DNA position 2205, C replaced by A.
Protein change: p.Ala735=; no amino-acid change (alanine 735 retained).
Molecular consequence: synonymous variant.
Genome position (GRCh38, 1-based): chr19:42,273,988, C>A. VCF-style: chr19-42273988-C-A. GRCh37 (hg19) VCF-style: chr19-42778140-C-A.
Other names: c.2205C>A, p.Ala735= (NM_001304815.2, NM_001379480.1, NM_001379482.1 and 1 more transcripts).
Identifiers: ClinVar variation 2649965 (VCV002649965.24), dbSNP rs959084837, ClinGen allele CA308615722.

ClinVar aggregate classification (germline): Likely benign (1 of 4 stars; one submission).

Submission:

CeGaT Center for Human Genetics Tuebingen
Classification: Likely benign. Last evaluated: 2023-06-01. Review status: criteria provided, single submitter. Criteria: CeGaT Center For Human Genetics Tuebingen Variant Classification Criteria Version 2. Collection method: clinical testing. Allele origin: germline. Affected: yes. Observed: 1 variant allele.
Comment: CIC: BP4, BP7